The following is an entry in ClinVar:

ClinVar aggregate classification (germline): Uncertain significance (1 of 4 stars; one submission).

Allele frequency attached by ClinVar (database versions not stated): gnomAD 0.00001.
gnomAD v4.1: 4 of 1,605,808 alleles (0.00025%); highest among the groups gnomAD compares: African/African-American, 0.0013%; no homozygotes.

Submission:

Labcorp Genetics (formerly Invitae), Labcorp
Classification: Uncertain significance. Last evaluated: 2022-03-31. Review status: criteria provided, single submitter. Criteria: Invitae Variant Classification Sherloc (09022015). Collection method: clinical testing. Allele origin: germline.
Comment: This sequence change replaces threonine, which is neutral and polar, with arginine, which is basic and polar, at codon 432 of the GTPBP3 protein (p.Thr432Arg). This variant is not present in population databases (gnomAD no frequency). This variant has not been reported in the literature in individuals affected with GTPBP3-related conditions. Algorithms developed to predict the effect of missense changes on protein structure and function are either unavailable or do not agree on the potential impact of this missense change (SIFT: "Deleterious"; PolyPhen-2: "Probably Damaging"; Align-GVGD: "Class C0"). In summary, the available evidence is currently insufficient to determine the role of this variant in disease. Therefore, it has been classified as a Variant of Uncertain Significance.

NM_032620.4(GTPBP3):c.1199C>G (p.Thr400Arg)

Gene: GTPBP3 (GTP binding protein 3, mitochondrial; plus strand). Cytogenetic location: 19p13.11.
Variant type: single nucleotide variant.
Coding change: c.1199C>G on transcript NM_032620.4 (MANE Select); coding-DNA position 1199, C replaced by G.
Protein change: p.Thr400Arg; replaces threonine 400 with arginine.
Molecular consequence: missense variant.
Genome position (GRCh38, 1-based): chr19:17,341,268, C>G. VCF-style: chr19-17341268-C-G. GRCh37 (hg19) VCF-style: chr19-17452077-C-G.
Other names: c.1136C>G, p.Thr379Arg (NM_001128855.3); c.1265C>G, p.Thr422Arg (NM_001195422.1); c.1295C>G, p.Thr432Arg (NM_133644.4); short protein forms T400R, T432R, T422R, T379R.
Identifiers: ClinVar variation 1974185 (VCV001974185.2), dbSNP rs1437710672, ClinGen allele CA404738995.